The following is an entry in ClinVar:

NM_000260.4(MYO7A):c.5418C>T (p.Ala1806=)

Gene: MYO7A (myosin VIIA; plus strand). Cytogenetic location: 11q13.5.
Variant type: single nucleotide variant.
Coding change: c.5418C>T on transcript NM_000260.4 (MANE Select); coding-DNA position 5418, C replaced by T.
Protein change: p.Ala1806=; no amino-acid change (alanine 1806 retained).
Molecular consequence: synonymous variant.
Genome position (GRCh38, 1-based): chr11:77,204,167, C>T. VCF-style: chr11-77204167-C-T. GRCh37 (hg19) VCF-style: chr11-76915212-C-T.
Other names: c.5304C>T, p.Ala1768= (NM_001127180.2); c.5271C>T, p.Ala1757= (NM_001369365.1).
Identifiers: ClinVar variation 178490 (VCV000178490.17), dbSNP rs368749248, ClinGen allele CA182428.

ClinVar aggregate classification (germline): Conflicting classifications of pathogenicity. Review status: criteria provided, conflicting classifications (1 of 4 stars). 6 submissions from 4 submitters: Uncertain significance (3); Likely benign (3). Last evaluated 2025-07-13.

Conditions:
Autosomal dominant nonsyndromic hearing loss 11. Identifiers: Orphanet 90635, MedGen C1832475, MONDO:0011032, OMIM 601317.
Autosomal recessive nonsyndromic hearing loss 2. Also called: NEUROSENSORY NONSYNDROMIC RECESSIVE DEAFNESS 2; DEAFNESS, AUTOSOMAL RECESSIVE 2. Identifiers: Orphanet 90636, MedGen C1838701, MONDO:0010807, OMIM 600060.
Usher syndrome type 1 (USH1). Also called: RETINITIS PIGMENTOSA AND CONGENITAL DEAFNESS. Identifiers: Orphanet 231169, Orphanet 886, MedGen C1568247, MONDO:0010168, OMIM 276900.

Allele frequency attached by ClinVar (database versions not stated): gnomAD exomes 0.00004; gnomAD 0.00005; TOPMed 0.00005; ESP Exome Variant Server 0.00008.
gnomAD v4.1: 76 of 1,591,178 alleles (0.0048%); highest among the groups gnomAD compares: East Asian, 0.0092%; no homozygotes.

Submissions (6):

Labcorp Genetics (formerly Invitae), Labcorp
Classification: Likely benign. Last evaluated: 2025-07-13. Review status: criteria provided, single submitter. Criteria: Invitae Variant Classification Sherloc (09022015). Collection method: clinical testing. Allele origin: germline.

Blueprint Genetics
Classification: Likely benign. Last evaluated: 2021-09-03. Review status: criteria provided, single submitter. Criteria: ACMG Guidelines, 2015. Collection method: clinical testing. Allele origin: germline.

Illumina Laboratory Services, Illumina
Classification: Uncertain significance for Usher syndrome type 1. Last evaluated: 2017-04-27. Review status: criteria provided, single submitter. Criteria: ICSL Variant Classification Criteria 13 December 2019. Collection method: clinical testing. Allele origin: germline.

Illumina Laboratory Services, Illumina
Classification: Uncertain significance for Autosomal dominant nonsyndromic hearing loss 11. Last evaluated: 2017-04-27. Review status: criteria provided, single submitter. Criteria: ICSL Variant Classification Criteria 13 December 2019. Collection method: clinical testing. Allele origin: germline.

Illumina Laboratory Services, Illumina
Classification: Uncertain significance for Autosomal recessive nonsyndromic hearing loss 2. Last evaluated: 2017-04-27. Review status: criteria provided, single submitter. Criteria: ICSL Variant Classification Criteria 13 December 2019. Collection method: clinical testing. Allele origin: germline.

Laboratory for Molecular Medicine, Mass General Brigham Personalized Medicine
Classification: Likely benign. Last evaluated: 2012-04-30. Review status: criteria provided, single submitter. Criteria: LMM Criteria. Collection method: clinical testing. Allele origin: germline. Observed: 1 variant allele.
Comment: Ala1806Ala in Exon 39 of MYO7A: This variant is not expected to have clinical si gnificance because it does not alter an amino acid residue, is not located withi n the splice consensus sequence, and has been identified in 1/6840 European Amer ican chromosomes from a broad population by the NHLBI Exome Sequencing Project.